The following is an entry in ClinVar:

ClinVar aggregate classification (germline): Pathogenic/Likely pathogenic. Review status: criteria provided, multiple submitters, no conflicts (2 of 4 stars). 6 submissions from 6 submitters: Pathogenic (4); Likely pathogenic (2). Last evaluated 2025-08-21.

Conditions:
Cortical dysplasia-focal epilepsy syndrome (PTHSL1). Also called: Pitt-Hopkins-like syndrome 1. Identifiers: Orphanet 163681, Orphanet 221150, MedGen C2750246, MONDO:0012400, OMIM 610042.
CNTNAP2-related disorders.

Allele frequency attached by ClinVar (database versions not stated): ExAC 0.00001; gnomAD 0.00001; gnomAD exomes 0.00001.
gnomAD v4.1: 5 of 1,613,912 alleles (0.00031%); highest among the groups gnomAD compares: Admixed American, 0.0033%; no homozygotes.

Submissions (6):

Variantyx, Inc.
Classification: Pathogenic for Cortical dysplasia-focal epilepsy syndrome. Last evaluated: 2025-08-21. Review status: criteria provided, single submitter. Criteria: Variantyx Assertion Criteria 2022. Collection method: clinical testing. Allele origin: germline. Inheritance: Autosomal recessive inheritance.
Comment: This is a nonsense variant in the CNTNAP2 gene (OMIM: 604569). Pathogenic variants in this gene have been associated with autosomal recessive Pitt-Hopkins like syndrome 1. This variant introduces a premature termination codon in exon 20 out of 24 and is expected to result in loss of function, which is a known disease mechanism for CNTNAP2 in this disorder (PMID: 19896112, 21827697, 37805811) (PVS1). This variant has been identified in at least 1 individual reported in the published literature (PMID: 37805811) (PM3) and has a 0.0033% maximum allele frequency in non-founder control populations (PM2). Based on the current evidence, this variant is classified as pathogenic for autosomal recessive Pitt-Hopkins like syndrome 1.

Blueprint Genetics
Classification: Likely pathogenic for CNTNAP2-related disorders. Last evaluated: 2024-05-16. Review status: criteria provided, single submitter. Criteria: ACMG Guidelines, 2015. Collection method: clinical testing. Allele origin: germline. Affected: yes. Observed: 3 variant alleles.

GeneDx
Classification: Pathogenic. Last evaluated: 2024-03-16. Review status: criteria provided, single submitter. Criteria: GeneDx Variant Classification Process June 2021. Collection method: clinical testing. Allele origin: germline. Affected: yes.
Comment: Nonsense variant predicted to result in protein truncation or nonsense mediated decay in a gene for which loss of function is a known mechanism of disease; Not observed at significant frequency in large population cohorts (gnomAD); This variant is associated with the following publications: (PMID: 37805811)

Department of Pathology and Laboratory Medicine, Sinai Health System
Classification: Pathogenic for Cortical dysplasia-focal epilepsy syndrome. Last evaluated: 2023-04-12. Review status: criteria provided, single submitter. Criteria: ACMG Guidelines, 2015. Collection method: research. Allele origin: germline.

Labcorp Genetics (formerly Invitae), Labcorp
Classification: Pathogenic for Cortical dysplasia-focal epilepsy syndrome. Last evaluated: 2022-12-08. Review status: criteria provided, single submitter. Criteria: Invitae Variant Classification Sherloc (09022015). Collection method: clinical testing. Allele origin: germline.
Comment: This sequence change creates a premature translational stop signal (p.Arg1095*) in the CNTNAP2 gene. It is expected to result in an absent or disrupted protein product. Loss-of-function variants in CNTNAP2 are known to be pathogenic (PMID: 19896112, 21827697, 25045150, 26843181, 27439707). This variant is present in population databases (rs771533907, gnomAD 0.003%). This variant has not been reported in the literature in individuals affected with CNTNAP2-related conditions. ClinVar contains an entry for this variant (Variation ID: 1163876). For these reasons, this variant has been classified as Pathogenic.

Mayo Clinic Laboratories, Mayo Clinic
Classification: Likely pathogenic. Last evaluated: 2020-01-08. Review status: criteria provided, single submitter. Criteria: ACMG Guidelines, 2015. Collection method: clinical testing. Allele origin: germline. Observed: 1 variant allele.
Comment: PVS1, PM2

Literature cited by the submitters: PubMed 19896112 (cited by Variantyx, Inc. and Labcorp Genetics (formerly Invitae), Labcorp); PubMed 21827697 (cited by Variantyx, Inc. and Labcorp Genetics (formerly Invitae), Labcorp); PubMed 37805811 (cited by Variantyx, Inc.); PubMed 25045150 (cited by Labcorp Genetics (formerly Invitae), Labcorp); PubMed 26843181 (cited by Labcorp Genetics (formerly Invitae), Labcorp); PubMed 27439707 (cited by Labcorp Genetics (formerly Invitae), Labcorp).

NM_014141.6(CNTNAP2):c.3283C>T (p.Arg1095Ter)

Gene: CNTNAP2 (contactin associated protein 2; plus strand). Cytogenetic location: 7q36.1.
Variant type: single nucleotide variant.
Coding change: c.3283C>T on transcript NM_014141.6 (MANE Select); coding-DNA position 3283, C replaced by T.
Protein change: p.Arg1095Ter; replaces arginine 1095 with a stop codon.
Molecular consequence: nonsense.
Genome position (GRCh38, 1-based): chr7:148,229,681, C>T. VCF-style: chr7-148229681-C-T. GRCh37 (hg19) VCF-style: chr7-147926773-C-T.
Other names: short protein forms R1095*.
Identifiers: ClinVar variation 1163876 (VCV001163876.15), dbSNP rs771533907, ClinGen allele CA4546607.
Genomic context (GRCh38, chr7:148,229,681, plus strand): 5'-CTGAGCTTTCTTTTTTCTTCTATAGGAAGCTTACAGATTCGATACAACCTGGGTGGCACC[C>T]GAGAGCCATACAATATTGACGTAGACCACAGGAACATGGCCAATGGACAGCCCCACAGTG-3'